The following is an entry in ClinVar:

NM_000660.7(TGFB1):c.898A>C (p.Ile300Leu)

Gene: TGFB1 (transforming growth factor beta 1; minus strand). Cytogenetic location: 19q13.2.
Variant type: single nucleotide variant.
Coding change: c.898A>C on transcript NM_000660.7 (MANE Select); coding-DNA position 898, A replaced by C.
Protein change: p.Ile300Leu; replaces isoleucine 300 with leucine.
Molecular consequence: missense variant.
Genome position (GRCh38, 1-based): chr19:41,332,244, T>G on the plus strand (A>C on the coding strand, the complement: TGFB1 is on the minus strand). VCF-style: chr19-41332244-T-G. GRCh37 (hg19) VCF-style: chr19-41838149-T-G.
Other names: short protein forms I300L.
Identifiers: ClinVar variation 4809268 (VCV004809268.1).
Genomic context (GRCh38, chr19:41,332,244, plus strand): 5'-TGGCATGGTAGCCCTTGGGCTCGTGGATCCACTTCCAGCCGAGGTCCTTGCGGAAGTCAA[T>G]GTACAGCTGCCGCACGCAGCAGTTCTTCTCCGTGGAGCTGCAGGCAGGAGAGACGCGTCA-3'
Protein context (NP_000651.3, residues 290-310): EKNCCVRQLY[Ile300Leu]DFRKDLGWKW

ClinVar aggregate classification (germline): Uncertain significance (1 of 4 stars; one submission).

Submission:

Labcorp Genetics (formerly Invitae), Labcorp
Classification: Uncertain significance. Last evaluated: 2025-04-07. Review status: criteria provided, single submitter. Criteria: Invitae Variant Classification Sherloc (09022015). Collection method: clinical testing. Allele origin: germline.
Comment: This sequence change replaces isoleucine, which is neutral and non-polar, with leucine, which is neutral and non-polar, at codon 300 of the TGFB1 protein (p.Ile300Leu). This variant is not present in population databases (gnomAD no frequency). This variant has not been reported in the literature in individuals affected with TGFB1-related conditions. Invitae Evidence Modeling of protein sequence and biophysical properties (such as structural, functional, and spatial information, amino acid conservation, physicochemical variation, residue mobility, and thermodynamic stability) indicates that this missense variant is not expected to disrupt TGFB1 protein function with a negative predictive value of 80%. In summary, the available evidence is currently insufficient to determine the role of this variant in disease. Therefore, it has been classified as a Variant of Uncertain Significance.